The following is an entry in ClinVar:

ClinVar aggregate classification (germline): Uncertain significance (1 of 4 stars; one submission).

Allele frequency attached by ClinVar (database versions not stated): ExAC 0.00002; gnomAD exomes 0.00002.
gnomAD v4.1: 4 of 1,544,820 alleles (0.00026%); highest among the groups gnomAD compares: Admixed American, 0.0068%; no homozygotes.

Submission:

Labcorp Genetics (formerly Invitae), Labcorp
Classification: Uncertain significance. Last evaluated: 2022-10-04. Review status: criteria provided, single submitter. Criteria: Invitae Variant Classification Sherloc (09022015). Collection method: clinical testing. Allele origin: germline.
Comment: Experimental studies and prediction algorithms are not available or were not evaluated, and the functional significance of this variant is currently unknown. In summary, the available evidence is currently insufficient to determine the role of this variant in disease. Therefore, it has been classified as a Variant of Uncertain Significance. ClinVar contains an entry for this variant (Variation ID: 1484226). This premature translational stop signal has been observed in individuals with retinitis pigmentosa (Invitae). This variant is present in population databases (rs746517520, gnomAD 0.01%). This sequence change creates a premature translational stop signal (p.Gln769*) in the IMPG1 gene. While this is not anticipated to result in nonsense mediated decay, it is expected to disrupt the last 29 amino acid(s) of the IMPG1 protein.

NM_001563.4(IMPG1):c.2305C>T (p.Gln769Ter)

Gene: IMPG1 (interphotoreceptor matrix proteoglycan 1; minus strand). Cytogenetic location: 6q14.1.
Variant type: single nucleotide variant.
Coding change: c.2305C>T on transcript NM_001563.4 (MANE Select); coding-DNA position 2305, C replaced by T.
Protein change: p.Gln769Ter; replaces glutamine 769 with a stop codon.
Molecular consequence: nonsense.
Genome position (GRCh38, 1-based): chr6:75,923,645, G>A on the plus strand (C>T on the coding strand, the complement: IMPG1 is on the minus strand). VCF-style: chr6-75923645-G-A. GRCh37 (hg19) VCF-style: chr6-76633362-G-A.
Other names: c.2071C>T, p.Gln691Ter (NM_001282368.2); short protein forms Q691*, Q769*.
Identifiers: ClinVar variation 1484226 (VCV001484226.8), dbSNP rs746517520, ClinGen allele CA3897870.